The following is an entry in ClinVar:

ClinVar aggregate classification (germline): Uncertain significance. Review status: criteria provided, single submitter (1 of 4 stars). 2 submissions from 2 submitters: Uncertain significance (1). 1 of the submissions does not count toward it. Last evaluated 2021-08-27.

Conditions:
Usher syndrome type 2A. Also called: RETINAL DISEASE IN USHER SYNDROME TYPE IIA, MODIFIER OF; USHER SYNDROME, TYPE IIA. Identifiers: Orphanet 231178, Orphanet 886, MedGen C1848634, MONDO:0010169, OMIM 276901.

Allele frequency attached by ClinVar (database versions not stated): gnomAD exomes 0.00001 and 0.00002; gnomAD 0.00005; TOPMed 0.00005.
gnomAD v4.1: 22 of 1,613,554 alleles (0.0014%); highest among the groups gnomAD compares: Admixed American, 0.02%; no homozygotes.

Submissions (2):

Labcorp Genetics (formerly Invitae), Labcorp
Classification: Uncertain significance. Last evaluated: 2021-08-27. Review status: criteria provided, single submitter. Criteria: Invitae Variant Classification Sherloc (09022015). Collection method: clinical testing. Allele origin: germline.
Comment: This sequence change replaces histidine with glutamine at codon 2877 of the USH2A protein (p.His2877Gln). The histidine residue is highly conserved and there is a small physicochemical difference between histidine and glutamine. This variant is not present in population databases (ExAC no frequency). This variant has not been reported in the literature in individuals affected with USH2A-related conditions. Algorithms developed to predict the effect of missense changes on protein structure and function are either unavailable or do not agree on the potential impact of this missense change (SIFT: "Deleterious"; PolyPhen-2: "Benign"; Align-GVGD: "Class C15"). Algorithms developed to predict the effect of sequence changes on RNA splicing suggest that this variant may create or strengthen a splice site. In summary, the available evidence is currently insufficient to determine the role of this variant in disease. Therefore, it has been classified as a Variant of Uncertain Significance.

Natera, Inc.
Classification: Uncertain significance for Usher syndrome type 2A. Last evaluated: 2020-09-03. Review status: no assertion criteria provided. Collection method: clinical testing. Allele origin: germline. Not counted in ClinVar's aggregate classification.

NM_206933.4(USH2A):c.8631C>G (p.His2877Gln)

Gene: USH2A (usherin; minus strand). Cytogenetic location: 1q41.
Variant type: single nucleotide variant.
Coding change: c.8631C>G on transcript NM_206933.4 (MANE Select); coding-DNA position 8631, C replaced by G.
Protein change: p.His2877Gln; replaces histidine 2877 with glutamine.
Molecular consequence: missense variant.
Genome position (GRCh38, 1-based): chr1:215,877,808, G>C on the plus strand (C>G on the coding strand, the complement: USH2A is on the minus strand). VCF-style: chr1-215877808-G-C. GRCh37 (hg19) VCF-style: chr1-216051150-G-C.
Other names: short protein forms H2877Q.
Identifiers: ClinVar variation 961520 (VCV000961520.4), dbSNP rs954532372, ClinGen allele CA37432993.